The following is an entry in ClinVar:

ClinVar aggregate classification (germline): Uncertain significance. Review status: criteria provided, multiple submitters, no conflicts (2 of 4 stars). 6 submissions from 6 submitters: Uncertain significance (6). Last evaluated 2025-08-22.

Conditions:
Cardiovascular phenotype. Identifiers: MedGen CN230736.
Cardiomyopathy (CMYO). Also called: Cardiomyopathies. Identifiers: Orphanet 167848, MedGen C0878544, MONDO:0004994, HP:0001638. Inheritance: Various modes of inheritance.
Arrhythmogenic right ventricular cardiomyopathy (ARVD). Also called: Arrhythmogenic cardiomyopathy; Arrhythmogenic Right Ventricular Cardiomyopathy (ARVC); Cardiomyopathy, ARVC; Arrhythmogenic right ventricular dysplasia. Identifiers: Orphanet 247, MedGen C0349788, MeSH D019571, MONDO:0016587. Disease mechanism: loss of function. Inheritance: Various modes of inheritance.
Arrhythmogenic right ventricular dysplasia 10. Also called: Arrhythmogenic right ventricular dysplasia/cardiomyopathy, type 10; Arrhythmogenic Right Ventricular Dysplasia/Cardiomyopathy10; ARRHYTHMOGENIC RIGHT VENTRICULAR DYSPLASIA, FAMILIAL, 10. Identifiers: MedGen C1857777, MONDO:0012434, OMIM 610193.

Allele frequency attached by ClinVar (database versions not stated): gnomAD exomes below 0.00001; TOPMed 0.00002; gnomAD 0.00003 and 0.00004.
gnomAD v4.1: 6 of 1,614,080 alleles (0.00037%); highest among the groups gnomAD compares: African/African-American, 0.008%; no homozygotes.

Submissions (6):

Color Diagnostics, LLC DBA Color Health
Classification: Uncertain significance for Cardiomyopathy. Last evaluated: 2025-08-22. Review status: criteria provided, single submitter. Criteria: ACMG Guidelines, 2015. Collection method: clinical testing. Allele origin: germline.
Comment: This missense variant replaces asparagine with lysine at codon 1043 of the DSG2 protein. Computational prediction suggests that this variant may not impact protein structure and function. To our knowledge, functional studies have not been reported for this variant. This variant has not been reported in individuals affected with DSG2-related disorders in the literature. This variant has been identified in 2/31406 chromosomes in the general population by the Genome Aggregation Database (gnomAD). The available evidence is insufficient to determine the role of this variant in disease conclusively. Therefore, this variant is classified as a Variant of Uncertain Significance.

Labcorp Genetics (formerly Invitae), Labcorp
Classification: Uncertain significance for Arrhythmogenic right ventricular dysplasia 10. Last evaluated: 2025-04-17. Review status: criteria provided, single submitter. Criteria: Invitae Variant Classification Sherloc (09022015). Collection method: clinical testing. Allele origin: germline.
Comment: This sequence change replaces asparagine, which is neutral and polar, with lysine, which is basic and polar, at codon 1043 of the DSG2 protein (p.Asn1043Lys). This variant is present in population databases (rs727502992, gnomAD 0.02%). This variant has not been reported in the literature in individuals affected with DSG2-related conditions. ClinVar contains an entry for this variant (Variation ID: 163224). Invitae Evidence Modeling of protein sequence and biophysical properties (such as structural, functional, and spatial information, amino acid conservation, physicochemical variation, residue mobility, and thermodynamic stability) indicates that this missense variant is not expected to disrupt DSG2 protein function with a negative predictive value of 95%. In summary, the available evidence is currently insufficient to determine the role of this variant in disease. Therefore, it has been classified as a Variant of Uncertain Significance.

GeneDx
Classification: Uncertain significance. Last evaluated: 2025-04-15. Review status: criteria provided, single submitter. Criteria: GeneDx Variant Classification Process June 2021. Collection method: clinical testing. Allele origin: germline. Affected: yes.
Comment: In silico analysis supports that this missense variant has a deleterious effect on protein structure/function; Has not been previously published as pathogenic or benign to our knowledge

Ambry Genetics
Classification: Uncertain significance for Cardiovascular phenotype. Last evaluated: 2025-01-13. Review status: criteria provided, single submitter. Criteria: Ambry Variant Classification Scheme 2023. Collection method: clinical testing. Allele origin: germline.
Comment: The p.N1043K variant (also known as c.3129T>G), located in coding exon 15 of the DSG2 gene, results from a T to G substitution at nucleotide position 3129. The asparagine at codon 1043 is replaced by lysine, an amino acid with similar properties. This amino acid position is conserved. In addition, this alteration is predicted to be tolerated by in silico analysis. Since supporting evidence is limited at this time, the clinical significance of this alteration remains unclear.

All of Us Research Program, National Institutes of Health
Classification: Uncertain significance for Arrhythmogenic right ventricular cardiomyopathy. Last evaluated: 2023-08-15. Review status: criteria provided, single submitter. Criteria: ACMG Guidelines, 2015. Collection method: clinical testing. Allele origin: germline. Inheritance: Autosomal dominant inheritance. Observed: 4 variant alleles, 4 heterozygotes.
Comment: This missense variant replaces asparagine with lysine at codon 1043 of the DSG2 protein. Computational prediction suggests that this variant may not impact protein structure and function (internally defined REVEL score threshold <= 0.5, PMID: 27666373). To our knowledge, functional studies have not been reported for this variant. This variant has not been reported in individuals affected with DSG2-related disorders in the literature. This variant has been identified in 2/31406 chromosomes in the general population by the Genome Aggregation Database (gnomAD). The available evidence is insufficient to determine the role of this variant in disease conclusively. Therefore, this variant is classified as a Variant of Uncertain Significance.

This study involves interpretation of variants in research participants for the purpose of population health screening. Participant phenotype was not available at the time of variant classification. Additional details can be found in publication PMID: 35346344, PMCID: PMC8962531

Laboratory for Molecular Medicine, Mass General Brigham Personalized Medicine
Classification: Uncertain significance. Last evaluated: 2014-01-07. Review status: criteria provided, single submitter. Criteria: LMM Criteria. Collection method: clinical testing. Allele origin: germline. Observed: 1 variant allele.
Comment: The Asn1043Lys variant in DSG2 has not been reported in individuals with cardiom yopathy or in large population studies. Computational analyses (biochemical amin o acid properties, conservation, AlignGVGD, PolyPhen2, and SIFT) suggest that th is variant may not impact the protein, though this information is not predictive enough to rule out pathogenicity. Additional information is needed to fully ass ess the clinical significance of the Asn1043Lys variant.

NM_001943.5(DSG2):c.3129T>G (p.Asn1043Lys)

Genes: DSG2 (desmoglein 2; plus strand), DSG2-AS1 (DSG2 antisense RNA 1; minus strand). Cytogenetic location: 18q12.1.
Variant type: single nucleotide variant.
Coding change: c.3129T>G on transcript NM_001943.5 (MANE Select); coding-DNA position 3129, T replaced by G.
Protein change: p.Asn1043Lys; replaces asparagine 1043 with lysine.
Molecular consequence: missense variant.
Genome position (GRCh38, 1-based): chr18:31,546,515, T>G. VCF-style: chr18-31546515-T-G. GRCh37 (hg19) VCF-style: chr18-29126478-T-G.
Other names: short protein forms N1043K.
Identifiers: ClinVar variation 163224 (VCV000163224.15), dbSNP rs727502992, ClinGen allele CA021986.